The following is an entry in ClinVar:

NM_023067.4(FOXL2):c.313_315del (p.Asn105del)

Gene: FOXL2 (forkhead box L2; minus strand). Cytogenetic location: 3q22.3.
Variant type: Deletion.
Coding change: c.313_315del on transcript NM_023067.4 (MANE Select); coding-DNA positions 313 to 315, 3 bases deleted (AAC; older notation c.313_315delAAC).
Protein change: p.Asn105del; deletes asparagine 105.
Molecular consequence: inframe deletion.
Genome position (GRCh38, 1-based): chr3:138,946,408-138,946,410, GTT deleted on the plus strand (AAC on the coding strand, the reverse complement: FOXL2 is on the minus strand); deleting any 3 consecutive bases within chr3:138,946,408-138,946,412 gives the same sequence; the c. name uses the placement nearest the transcript's 3' end. VCF-style (leftmost placement, unchanged base first): chr3-138946407-GGTT-G. GRCh37 (hg19) VCF-style: chr3-138665249-GGTT-G.
Other names: short protein forms N105del.
Identifiers: ClinVar variation 369903 (VCV000369903.3), dbSNP rs1057516154, ClinGen allele CA10654891.

ClinVar aggregate classification (germline): Uncertain significance. Review status: criteria provided, single submitter (1 of 4 stars). 3 submissions from 3 submitters: Uncertain significance (1). 2 of the submissions do not count toward it. Last evaluated 2016-11-03.

Conditions:
Blepharophimosis, ptosis, and epicanthus inversus syndrome. Identifiers: Orphanet 126, MedGen C0220663, MONDO:0007201, OMIM 110100.

Submissions (3):

Genomic Diagnostic Laboratory, Division of Genomic Diagnostics, Children's Hospital of Philadelphia
Classification: Uncertain significance for Blepharophimosis, ptosis, and epicanthus inversus syndrome. Last evaluated: 2016-11-03. Review status: criteria provided, single submitter. Criteria: DGD Variant Analysis Guidelines. Collection method: clinical testing. Allele origin: germline. Affected: yes. Observed: 1 variant allele.
Comment: Clinical Testing

Biochemical Molecular Genetic Laboratory, King Abdulaziz Medical City
Classification: Likely pathogenic for Blepharophimosis, ptosis, and epicanthus inversus syndrome. Last evaluated: 2019-09-26. Review status: no assertion criteria provided. Collection method: clinical testing. Allele origin: germline. Affected: yes. Not counted in ClinVar's aggregate classification.

Wessex Regional Genetics Laboratory, Salisbury District Hospital
Classification: Likely pathogenic for Blepharophimosis, ptosis, and epicanthus inversus syndrome. Last evaluated: 2015-01-01. Review status: no assertion criteria provided. Criteria: ACMG Guidelines, 2015. Collection method: clinical testing. Allele origin: paternal. Inheritance: Autosomal dominant inheritance. Affected: yes. Not counted in ClinVar's aggregate classification.